The following is an entry in ClinVar:

ClinVar aggregate classification (germline): Uncertain significance (1 of 4 stars; one submission).

Conditions:
Congenital contractural arachnodactyly (CCA). Also called: Beals-Hecht syndrome; BEALS SYNDROME; Arthrogryposis, distal, type 9. Identifiers: Orphanet 115, MedGen C0220668, MONDO:0007363, OMIM 121050.

Submission:

Labcorp Genetics (formerly Invitae), Labcorp
Classification: Uncertain significance for Congenital contractural arachnodactyly. Last evaluated: 2025-11-01. Review status: criteria provided, single submitter. Criteria: Invitae Variant Classification Sherloc (09022015). Collection method: clinical testing. Allele origin: germline.
Comment: This variant, c.4837_4839dup, results in the insertion of 1 amino acid(s) of the FBN2 protein (p.Ala1613dup), but otherwise preserves the integrity of the reading frame. This variant is not present in population databases (gnomAD no frequency). This variant has been observed in individual(s) with clinical features of FBN2-related conditions (internal data). Experimental studies and prediction algorithms are not available or were not evaluated, and the functional significance of this variant is currently unknown. In summary, the available evidence is currently insufficient to determine the role of this variant in disease. Therefore, it has been classified as a Variant of Uncertain Significance.

NM_001999.4(FBN2):c.4837_4839dup (p.Ala1613_Trp1614insAla)

Gene: FBN2 (fibrillin 2; minus strand). Cytogenetic location: 5q23.3.
Variant type: Duplication.
Coding change: c.4837_4839dup on transcript NM_001999.4 (MANE Select); coding-DNA positions 4837 to 4839, 3 bases duplicated (GCC; older notation c.4837_4839dupGCC).
Protein change: p.Ala1613_Trp1614insAla.
Molecular consequence: inframe insertion.
Genome position (GRCh38, 1-based): chr5:128,312,674-128,312,676, GGC duplicated on the plus strand (GCC on the coding strand, the reverse complement: FBN2 is on the minus strand). VCF-style (leftmost placement, unchanged base first): chr5-128312673-A-AGGC. GRCh37 (hg19) VCF-style: chr5-127648365-A-AGGC.
Identifiers: ClinVar variation 4730284 (VCV004730284.1).